The following is an entry in ClinVar:

ClinVar aggregate classification (germline): Uncertain significance. Review status: criteria provided, multiple submitters, no conflicts (2 of 4 stars). 2 submissions from 2 submitters: Uncertain significance (2). Last evaluated 2026-01-13.

Conditions:
Dyskeratosis congenita. Identifiers: Orphanet 1775, MedGen C0265965, MONDO:0015780.
Idiopathic Pulmonary Fibrosis. Also called: Idiopathic fibrosing alveolitis, chronic form; idiopathic fibrosing alveolitis. Identifiers: Orphanet 2032, MedGen C1800706, MeSH D054990, MONDO:0800504.
Dyskeratosis congenita, autosomal dominant 2. Identifiers: MedGen C3151443, MONDO:0013521, OMIM 613989.

Allele frequency attached by ClinVar (database versions not stated): gnomAD exomes 0.00001.
gnomAD v4.1: 9 of 1,578,692 alleles (0.00057%); highest among the groups gnomAD compares: Non-Finnish European, 0.00077%; no homozygotes.

Submissions (2):

Labcorp Genetics (formerly Invitae), Labcorp
Classification: Uncertain significance for Dyskeratosis congenita, autosomal dominant 2; Idiopathic Pulmonary Fibrosis. Last evaluated: 2026-01-13. Review status: criteria provided, single submitter. Criteria: Invitae Variant Classification Sherloc (09022015). Collection method: clinical testing. Allele origin: germline.
Comment: This sequence change replaces serine, which is neutral and polar, with cysteine, which is neutral and slightly polar, at codon 118 of the TERT protein (p.Ser118Cys). This variant is not present in population databases (gnomAD no frequency). This variant has not been reported in the literature in individuals affected with TERT-related conditions. ClinVar contains an entry for this variant (Variation ID: 847090). Invitae Evidence Modeling of protein sequence and biophysical properties (such as structural, functional, and spatial information, amino acid conservation, physicochemical variation, residue mobility, and thermodynamic stability) indicates that this missense variant is not expected to disrupt TERT protein function with a negative predictive value of 95%. In summary, the available evidence is currently insufficient to determine the role of this variant in disease. Therefore, it has been classified as a Variant of Uncertain Significance.

Ambry Genetics
Classification: Uncertain significance for Dyskeratosis congenita. Last evaluated: 2022-02-09. Review status: criteria provided, single submitter. Criteria: Ambry Variant Classification Scheme 2023. Collection method: clinical testing. Allele origin: germline.
Comment: The p.S118C variant (also known as c.352A>T), located in coding exon 2 of the TERT gene, results from an A to T substitution at nucleotide position 352. The serine at codon 118 is replaced by cysteine, an amino acid with dissimilar properties. This amino acid position is conserved. In addition, the in silico prediction for this alteration is inconclusive. Since supporting evidence is limited at this time, the clinical significance of this alteration remains unclear.

NM_198253.3(TERT):c.352A>T (p.Ser118Cys)

Gene: TERT (telomerase reverse transcriptase; minus strand). Cytogenetic location: 5p15.33.
Variant type: single nucleotide variant.
Coding change: c.352A>T on transcript NM_198253.3 (MANE Select); coding-DNA position 352, A replaced by T.
Protein change: p.Ser118Cys; replaces serine 118 with cysteine.
Molecular consequence: missense variant. On other transcripts: non-coding transcript variant (2).
Genome position (GRCh38, 1-based): chr5:1,294,534, T>A on the plus strand (A>T on the coding strand, the complement: TERT is on the minus strand). VCF-style: chr5-1294534-T-A. GRCh37 (hg19) VCF-style: chr5-1294649-T-A.
Other names: c.352A>T, p.Ser118Cys (NM_001193376.3); short protein forms S118C.
Identifiers: ClinVar variation 847090 (VCV000847090.8), dbSNP rs1751258801, ClinGen allele CA359058210.